The following is an entry in ClinVar:

NM_000135.4(FANCA):c.3280A>C (p.Ser1094Arg)

Gene: FANCA (FA complementation group A; minus strand). Cytogenetic location: 16q24.3.
Variant type: single nucleotide variant.
Coding change: c.3280A>C on transcript NM_000135.4 (MANE Select); coding-DNA position 3280, A replaced by C.
Protein change: p.Ser1094Arg; replaces serine 1094 with arginine.
Molecular consequence: missense variant.
Genome position (GRCh38, 1-based): chr16:89,748,727, T>G on the plus strand (A>C on the coding strand, the complement: FANCA is on the minus strand). VCF-style: chr16-89748727-T-G. GRCh37 (hg19) VCF-style: chr16-89815135-T-G.
Other names: c.3280A>C, p.Ser1094Arg (NM_001286167.3); short protein forms S1094R.
Identifiers: ClinVar variation 4022298 (VCV004022298.1).

ClinVar aggregate classification (germline): Uncertain significance (1 of 4 stars; one submission).

Conditions:
Inborn genetic diseases. Identifiers: MedGen C0950123, MeSH D030342.

gnomAD v4.1: 5 of 1,614,150 alleles (0.00031%); highest among the groups gnomAD compares: Non-Finnish European, 0.00042%; no homozygotes.

Submission:

Ambry Genetics
Classification: Uncertain significance for Inborn genetic diseases. Last evaluated: 2025-05-22. Review status: criteria provided, single submitter. Criteria: Ambry Variant Classification Scheme 2023. Collection method: clinical testing. Allele origin: germline.
Comment: The p.S1094R variant (also known as c.3280A>C), located in coding exon 33 of the FANCA gene, results from an A to C substitution at nucleotide position 3280. The serine at codon 1094 is replaced by arginine, an amino acid with dissimilar properties. This amino acid position is conserved. In addition, this alteration is predicted to be tolerated by in silico analysis. Based on the available evidence, the clinical significance of this variant remains unclear.